The following is an entry in ClinVar:

NM_002156.5(HSPD1):c.603A>G (p.Val201=)

Gene: HSPD1 (heat shock protein family D (Hsp60) member 1; minus strand). Cytogenetic location: 2q33.1.
Variant type: single nucleotide variant.
Coding change: c.603A>G on transcript NM_002156.5 (MANE Select); coding-DNA position 603, A replaced by G.
Protein change: p.Val201=; no amino-acid change (valine 201 retained).
Molecular consequence: synonymous variant.
Genome position (GRCh38, 1-based): chr2:197,494,660, T>C on the plus strand (A>G on the coding strand, the complement: HSPD1 is on the minus strand). VCF-style: chr2-197494660-T-C. GRCh37 (hg19) VCF-style: chr2-198359384-T-C.
Other names: c.603A>G, p.Val201= (NM_199440.2).
Identifiers: ClinVar variation 219636 (VCV000219636.13), dbSNP rs146598485, ClinGen allele CA349242.
Genomic context (GRCh38, chr2:197,494,660, plus strand): 5'-CAAACTTTTGATCATAAGATAACTCAAAATTATCTTTAAAAATACAAACACACTTGCCTT[T>C]ACTGTGATGACACCCTTTCTTCCAACTTTTTTCATTGCATCAGAGATGATATTGCCAATT-3'
Protein context (NP_002147.2, residues 191-211): KKVGRKGVIT[Val201=]KDGKTLNDEL

ClinVar aggregate classification (germline): Benign. Review status: criteria provided, multiple submitters, no conflicts (2 of 4 stars). 3 submissions from 3 submitters: Benign (3). Last evaluated 2026-02-01.

Conditions:
Spastic paraplegia. Identifiers: MedGen C0037772, HP:0001258.
Hereditary spastic paraplegia 13 (SPG13). Also called: Spastic paraplegia 13; SPASTIC PARAPLEGIA 13, AUTOSOMAL DOMINANT. Identifiers: Orphanet 100994, MedGen C1854467, MONDO:0011532, OMIM 605280.

Allele frequency attached by ClinVar (database versions not stated): ESP Exome Variant Server 0.00038; gnomAD exomes 0.00082 and 0.00317; gnomAD 0.00118 and 0.00165; TOPMed 0.00179; ExAC 0.00285; 1000 Genomes Project 30x 0.00999; 1000 Genomes Project 0.01138.
gnomAD v4.1: 1,503 of 1,578,598 alleles (0.095%); highest among the groups gnomAD compares: East Asian, 2.6%; 29 homozygotes.

Submissions (3):

Labcorp Genetics (formerly Invitae), Labcorp
Classification: Benign for Spastic paraplegia. Last evaluated: 2026-02-01. Review status: criteria provided, single submitter. Criteria: Invitae Variant Classification Sherloc (09022015). Collection method: clinical testing. Allele origin: germline.

Illumina Laboratory Services, Illumina
Classification: Benign for Hereditary spastic paraplegia 13. Last evaluated: 2018-01-12. Review status: criteria provided, single submitter. Criteria: ICSL Variant Classification Criteria 13 December 2019. Collection method: clinical testing. Allele origin: germline.
Comment: This variant was observed in the ICSL laboratory as part of a predisposition screen in an ostensibly healthy population. It had not been previously curated by ICSL or reported in the Human Gene Mutation Database (HGMD: prior to June 1st, 2018), and was therefore a candidate for classification through an automated scoring system. Utilizing variant allele frequency, disease prevalence and penetrance estimates, and inheritance mode, an automated score was calculated to assess if this variant is too frequent to cause the disease. Based on the score and internal cut-off values, a variant classified as benign is not then subjected to further curation. The score for this variant resulted in a classification of benign for this disease.

GeneDx
Classification: Benign. Last evaluated: 2015-09-11. Review status: criteria provided, single submitter. Criteria: GeneDx Variant Classification (06012015). Collection method: clinical testing. Allele origin: germline. Affected: yes.
Comment: This variant is considered likely benign or benign based on one or more of the following criteria: it is a conservative change, it occurs at a poorly conserved position in the protein, it is predicted to be benign by multiple in silico algorithms, and/or has population frequency not consistent with disease.